The following is an entry in ClinVar:

NM_017950.4(CCDC40):c.631G>A (p.Asp211Asn)

Gene: CCDC40 (coiled-coil domain 40 molecular ruler complex subunit; plus strand). Cytogenetic location: 17q25.3.
Variant type: single nucleotide variant.
Coding change: c.631G>A on transcript NM_017950.4 (MANE Select); coding-DNA position 631, G replaced by A.
Protein change: p.Asp211Asn; replaces aspartic acid 211 with asparagine.
Molecular consequence: missense variant.
Genome position (GRCh38, 1-based): chr17:80,047,357, G>A. VCF-style: chr17-80047357-G-A. GRCh37 (hg19) VCF-style: chr17-78021156-G-A.
Other names: c.631G>A, p.Asp211Asn (NM_001243342.2, NM_001330508.2); short protein forms D211N.
Identifiers: ClinVar variation 241243 (VCV000241243.24), dbSNP rs150615436, ClinGen allele CA8813508.

ClinVar aggregate classification (germline): Benign/Likely benign. Review status: criteria provided, multiple submitters, no conflicts (2 of 4 stars). 6 submissions from 6 submitters: Benign (2); Likely benign (4). Last evaluated 2026-03-01.

Conditions:
Primary ciliary dyskinesia. Also called: Ciliary dyskinesia. Identifiers: Orphanet 244, MedGen C0008780, MONDO:0016575, HP:0012265.
Primary ciliary dyskinesia 15. Also called: CILIARY DYSKINESIA, PRIMARY, 15, WITH OR WITHOUT SITUS INVERSUS. Identifiers: Orphanet 244, MedGen C3151137, MONDO:0013435, OMIM 613808.

Allele frequency attached by ClinVar (database versions not stated): gnomAD exomes 0.00053 and 0.00114; ExAC 0.00134; gnomAD 0.00391 and 0.00414; ESP Exome Variant Server 0.00408; 1000 Genomes Project 30x 0.00437; 1000 Genomes Project 0.00459; TOPMed 0.00467.
gnomAD v4.1: 1,434 of 1,613,708 alleles (0.089%); highest among the groups gnomAD compares: African/African-American, 1.3%; 13 homozygotes.

Submissions (6):

CeGaT Center for Human Genetics Tuebingen
Classification: Likely benign. Last evaluated: 2026-03-01. Review status: criteria provided, single submitter. Criteria: CeGaT Center For Human Genetics Tuebingen Variant Classification Criteria Version 2. Collection method: clinical testing. Allele origin: germline. Affected: yes. Observed: 1 variant allele.
Comment: CCDC40: BP4, BS1

Labcorp Genetics (formerly Invitae), Labcorp
Classification: Benign for Primary ciliary dyskinesia. Last evaluated: 2026-01-24. Review status: criteria provided, single submitter. Criteria: Invitae Variant Classification Sherloc (09022015). Collection method: clinical testing. Allele origin: germline.

Blueprint Genetics
Classification: Likely benign. Last evaluated: 2024-11-01. Review status: criteria provided, single submitter. Criteria: ACMG Guidelines, 2015. Collection method: clinical testing. Allele origin: germline.

ARUP Laboratories, Molecular Genetics and Genomics, ARUP Laboratories
Classification: Likely benign for Primary ciliary dyskinesia 15. Last evaluated: 2024-10-18. Review status: criteria provided, single submitter. Criteria: ARUP Molecular Germline Variant Investigation Process 2024. Collection method: clinical testing. Allele origin: germline.

Illumina Laboratory Services, Illumina
Classification: Likely benign for Primary ciliary dyskinesia 15. Last evaluated: 2018-01-13. Review status: criteria provided, single submitter. Criteria: ICSL Variant Classification Criteria 13 December 2019. Collection method: clinical testing. Allele origin: germline.
Comment: This variant was observed in the ICSL laboratory as part of a predisposition screen in an ostensibly healthy population. It had not been previously curated by ICSL or reported in the Human Gene Mutation Database (HGMD: prior to June 1st, 2018), and was therefore a candidate for classification through an automated scoring system. Utilizing variant allele frequency, disease prevalence and penetrance estimates, and inheritance mode, an automated score was calculated to assess if this variant is too frequent to cause the disease. Based on the score and internal cut-off values, a variant classified as likely benign is not then subjected to further curation. The score for this variant resulted in a classification of likely benign for this disease.

Ambry Genetics
Classification: Benign for Primary ciliary dyskinesia. Last evaluated: 2016-10-25. Review status: criteria provided, single submitter. Criteria: Ambry Variant Classification Scheme 2023. Collection method: clinical testing. Allele origin: germline.